The following is an entry in ClinVar:

ClinVar aggregate classification (germline): Likely pathogenic. Review status: criteria provided, multiple submitters, no conflicts (2 of 4 stars). 4 submissions from 4 submitters: Likely pathogenic (4). Last evaluated 2026-03-26.

Conditions:
Malaria, susceptibility to. Identifiers: Orphanet 673, MedGen C1970028, MONDO:0021024, OMIM 611162.
METHEMOGLOBINEMIA, BETA TYPE. Also called: Methemoglobinemia, beta-globin type. Identifiers: MedGen C1840779, OMIM 617971.
Hereditary persistence of fetal hemoglobin. Identifiers: MedGen C0019025, MONDO:0020989, OMIM 141749.
Erythrocytosis, familial, 6. Also called: ERYTHROCYTOSIS, BETA-GLOBIN TYPE; POLYCYTHEMIA, BETA-GLOBIN TYPE. Identifiers: MedGen C4693822, MONDO:0054801, OMIM 617980.
Beta-thalassemia HBB/LCRB. Identifiers: MedGen CN322236, MONDO:0013517, OMIM 613985.
Hb SS disease (SCD). Also called: Sickle cell anemia; Sickle cell disease; HbS disease; Hemoglobin S Disease; Sickling disorder due to hemoglobin S; Hemoglobin SS. Identifiers: Orphanet 232, Orphanet 275752, MedGen C0002895, MONDO:0011382, OMIM 603903.
Heinz body anemia. Also called: Heinz body hemolytic anemia. Identifiers: Orphanet 178330, MedGen C0700299, MONDO:0007705, OMIM 140700, HP:0005511.
Dominant beta-thalassemia. Also called: Beta-thalassemia, dominant inclusion body type. Identifiers: Orphanet 231226, Orphanet 848, MedGen C1858990, MONDO:0011381, OMIM 603902.
beta Thalassemia (BTHAL). Also called: Cooley's anemia; Erythroblastic anemia; Mediterranean anemia. Identifiers: Orphanet 848, MedGen C0005283, MONDO:0019402. Disease mechanism: loss of function.

Submissions (4):

Women's Health and Genetics/Laboratory Corporation of America, LabCorp
Classification: Likely pathogenic for beta Thalassemia. Last evaluated: 2026-03-26. Review status: criteria provided, single submitter. Criteria: LabCorp Variant Classification Summary - May 2015. Collection method: clinical testing. Allele origin: germline.
Comment: Variant summary: HBB c.327C>G (p.Asn109Lys), also referred to as Hb Presbyterian, results in a non-conservative amino acid change in the encoded protein sequence. Algorithms developed to predict the effect of missense changes on protein structure and function are either unavailable or do not agree on the potential impact of this missense change. The variant was absent in 251212 control chromosomes(gnomAD). The variant has been reported (typically described at the protein level or as Hb Presbyterian) in several carriers, who were asymptomatic or had mild anemia phenotype (Kohne_1979, Horst_1983, Oehme_1985, Schnee_1990, Moo-Penn_1978, Harano_1984, Villegas_1986, van Zwieten_2014, Pernudy-Ubau_2017). In addition, the variant was also reported in compound heterozygosity with HbS, in an individual who had mild sickle cell phenotype (Homsy_2018). Several of these reports also performed functional analysis of patient derived samples, and described that the variant results in mild instability, while also enhancing the stability of hemoglobin in the deoxy-state, conferring low affinity for oxygen binding in vitro. In addition, a study using a knock-in mouse model reported, that heterozygous mice showed lower expression of Hb Presbyterian without any hematologic abnormalities, which well mimicked human carriers, however in homozygous state it was associated with hemolytic anemia, Heinz body formation, and splenomegaly, and erythrocytes from homozygous mice showed a shortened life span when transfused into wildtype mice (Suzuki_2002). The following publications have been ascertained in the context of this evaluation (PMID: 12829441, 500379, 668922, 7961689, 12127975, 24200101, 6309649, 3101357, 2998970, 2307460, 6480363, 28395541, 31149860, 12962322). ClinVar contains an entry for this variant (Variation ID: 15318). Based on the evidence outlined above, the variant was classified as likely pathogenic.

Natera, Inc.
Classification: Likely pathogenic for Beta thalassemia. Last evaluated: 2024-06-28. Review status: criteria provided, single submitter. Criteria: Natera Variant Classification Schema (03/2026). Collection method: clinical testing. Allele origin: germline.
Comment: The c.327C>G variant in HBB is a missense variant predicted to cause substitution of asparagine to lysine at amino acid 109. This variant is rare in the general population with a frequency below the threshold expected for the associated phenotype(s). This variant has been observed in affected individual(s) with monoallelic occurrence (heterozygous/hemizygous) (PMID: 2307560). Functional studies show that this variant may disrupt protein function (PMID: 12127975, 12458204). Given the available evidence, this variant is classified as Likely Pathogenic.

Quest Diagnostics Nichols Institute San Juan Capistrano
Classification: Likely pathogenic. Last evaluated: 2024-06-14. Review status: criteria provided, single submitter. Criteria: Quest Diagnostics criteria. Collection method: clinical testing. Allele origin: unknown.
Comment: The HBB c.327C>G (p.Asn109Lys) variant has been reported in the published literature in individuals with mild anemia (PMIDs: 668922 (1978), 500379 (1979), 3101357 (1986), anemia (PMID: 6309649 (1983)), and hypochromic microcytic anemia (PMID: 28395541 (2017)). Functional studies have demonstrated a decreased oxygen affinity and decreased stability (PMIDs: 12458204 (2003) and 12127975 (2002)). However, heterozygotes may have no hematologic abnormalities (PMID: 12127975 (2002)). This variant has not been reported in large, multi-ethnic general populations (Genome Aggregation Database). Analysis of this variant using bioinformatics tools for the prediction of the effect of amino acid changes on protein structure and function yielded conflicting predictions that this variant is deleterious or benign. Based on the available information, this variant is classified as likely pathogenic.

Fulgent Genetics
Classification: Likely pathogenic for Heinz body anemia; Hereditary persistence of fetal hemoglobin; Dominant beta-thalassemia; Hb SS disease; Malaria, susceptibility to; Beta-thalassemia HBB/LCRB; METHEMOGLOBINEMIA, BETA TYPE; Erythrocytosis, familial, 6. Last evaluated: 2024-05-04. Review status: criteria provided, single submitter. Criteria: ACMG Guidelines, 2015. Collection method: clinical testing. Allele origin: germline.

Literature cited by the submitters: PubMed 3101357 (cited by Women's Health and Genetics/Laboratory Corporation of America, LabCorp and Quest Diagnostics Nichols Institute San Juan Capistrano); PubMed 6309649 (cited by Women's Health and Genetics/Laboratory Corporation of America, LabCorp and Quest Diagnostics Nichols Institute San Juan Capistrano); PubMed 500379 (cited by Women's Health and Genetics/Laboratory Corporation of America, LabCorp and Quest Diagnostics Nichols Institute San Juan Capistrano); PubMed 668922 (cited by Women's Health and Genetics/Laboratory Corporation of America, LabCorp and Quest Diagnostics Nichols Institute San Juan Capistrano); PubMed 24200101 (cited by Women's Health and Genetics/Laboratory Corporation of America, LabCorp and Quest Diagnostics Nichols Institute San Juan Capistrano); PubMed 12829441 (cited by Women's Health and Genetics/Laboratory Corporation of America, LabCorp); PubMed 2998970 (cited by Women's Health and Genetics/Laboratory Corporation of America, LabCorp); PubMed 2307460 (cited by Women's Health and Genetics/Laboratory Corporation of America, LabCorp and Quest Diagnostics Nichols Institute San Juan Capistrano); PubMed 12127975 (cited by 3 submitters); PubMed 12962322 (cited by Women's Health and Genetics/Laboratory Corporation of America, LabCorp); PubMed 6480363 (cited by Women's Health and Genetics/Laboratory Corporation of America, LabCorp); PubMed 31149860 (cited by Women's Health and Genetics/Laboratory Corporation of America, LabCorp); PubMed 7961689 (cited by Women's Health and Genetics/Laboratory Corporation of America, LabCorp); PubMed 28395541 (cited by Women's Health and Genetics/Laboratory Corporation of America, LabCorp and Quest Diagnostics Nichols Institute San Juan Capistrano); PubMed 2307560 (cited by Natera, Inc.); PubMed 12458204 (cited by Natera, Inc. and Quest Diagnostics Nichols Institute San Juan Capistrano); PubMed 26635043 (cited by Quest Diagnostics Nichols Institute San Juan Capistrano).

NM_000518.5(HBB):c.327C>G (p.Asn109Lys)

Genes: HBB (hemoglobin subunit beta; minus strand), LOC107133510 (origin of replication at HBB; plus strand), LOC110006319 (beta-globin gene 3' regulatory region; plus strand). Cytogenetic location: 11p15.4.
Variant type: single nucleotide variant.
Coding change: c.327C>G on transcript NM_000518.5 (MANE Select); coding-DNA position 327, C replaced by G.
Protein change: p.Asn109Lys; replaces asparagine 109 with lysine.
Molecular consequence: missense variant.
Genome position (GRCh38, 1-based): chr11:5,225,715, G>C on the plus strand (C>G on the coding strand, the complement: HBB is on the minus strand). VCF-style: chr11-5225715-G-C. GRCh37 (hg19) VCF-style: chr11-5246945-G-C.
Other names: c.327C>G (NM_000518.4); short protein forms N109K.
Identifiers: ClinVar variation 3336287 (VCV003336287.4).